The following is an entry in ClinVar:

NM_002335.4(LRP5):c.3266G>A (p.Arg1089Gln)

Gene: LRP5 (LDL receptor related protein 5; plus strand). Cytogenetic location: 11q13.2.
Variant type: single nucleotide variant.
Coding change: c.3266G>A on transcript NM_002335.4 (MANE Select); coding-DNA position 3266, G replaced by A.
Protein change: p.Arg1089Gln; replaces arginine 1089 with glutamine.
Molecular consequence: missense variant.
Genome position (GRCh38, 1-based): chr11:68,425,131, G>A. VCF-style: chr11-68425131-G-A. GRCh37 (hg19) VCF-style: chr11-68192599-G-A.
Other names: c.1523G>A, p.Arg508Gln (NM_001291902.2); short protein forms R1089Q, R508Q.
Identifiers: ClinVar variation 2662031 (VCV002662031.6), dbSNP rs373906355, ClinGen allele CA6149930.
Genomic context (GRCh38, chr11:68,425,131, plus strand): 5'-CACCCGTCCTTCACCCGCCACCCTCCCGCAGGTACCTGTACTTCACCAACATGCAGGACC[G>A]GGCAGCCAAGATCGAACGCGCAGCCCTGGACGGCACCGAGCGCGAGGTCCTCTTCACCAC-3'
Protein context (NP_002326.2, residues 1079-1099): GYLYFTNMQD[Arg1089Gln]AAKIERAALD

ClinVar aggregate classification (germline): Uncertain significance. Review status: criteria provided, multiple submitters, no conflicts (2 of 4 stars). 4 submissions from 4 submitters: Uncertain significance (4). Last evaluated 2026-02-03.

Conditions:
Osteoporosis with pseudoglioma (OPPG). Also called: osteoporosis-pseudoglioma syndrome. Identifiers: Orphanet 2788, MedGen C0432252, MONDO:0009820, OMIM 259770.
Bone mineral density quantitative trait locus 1 (BMND1). Identifiers: MedGen C1866079, OMIM 601884.
Exudative vitreoretinopathy 4 (EVR4). Identifiers: Orphanet 891, MedGen C1866176, MONDO:0011151, OMIM 601813.
Worth disease. Also called: ENDOSTEAL HYPEROSTOSIS, AUTOSOMAL DOMINANT; OSTEOSCLEROSIS, AUTOSOMAL DOMINANT; Autosomal dominant osteosclerosis, Worth type. Identifiers: Orphanet 2790, MedGen C0432273, MONDO:0007764, OMIM 144750.
Autosomal dominant osteopetrosis 1 (OPTA1). Also called: OSTEOPETROSIS, AUTOSOMAL DOMINANT, TYPE I. Identifiers: Orphanet 2783, MedGen C1843330, MONDO:0011877, OMIM 607634.
Polycystic liver disease 4 with or without kidney cysts. Identifiers: MedGen C4693479, MONDO:0044327, OMIM 617875.

Allele frequency attached by ClinVar (database versions not stated): ExAC 0.00002; TOPMed 0.00003; gnomAD 0.00004; gnomAD exomes 0.00004; ESP Exome Variant Server 0.00008.
gnomAD v4.1: 63 of 1,613,604 alleles (0.0039%); highest among the groups gnomAD compares: Admixed American, 0.017%; no homozygotes.

Submissions (4):

GeneDx
Classification: Uncertain significance. Last evaluated: 2026-02-03. Review status: criteria provided, single submitter. Criteria: GeneDx Variant Classification Process June 2021. Collection method: clinical testing. Allele origin: germline.
Comment: In silico analysis suggests that this missense variant does not alter protein structure/function; Has not been previously published as pathogenic or benign to our knowledge

Labcorp Genetics (formerly Invitae), Labcorp
Classification: Uncertain significance. Last evaluated: 2024-11-12. Review status: criteria provided, single submitter. Criteria: Invitae Variant Classification Sherloc (09022015). Collection method: clinical testing. Allele origin: germline.
Comment: This sequence change replaces arginine, which is basic and polar, with glutamine, which is neutral and polar, at codon 1089 of the LRP5 protein (p.Arg1089Gln). This variant is present in population databases (rs373906355, gnomAD 0.02%). This variant has not been reported in the literature in individuals affected with LRP5-related conditions. ClinVar contains an entry for this variant (Variation ID: 2662031). Invitae Evidence Modeling of protein sequence and biophysical properties (such as structural, functional, and spatial information, amino acid conservation, physicochemical variation, residue mobility, and thermodynamic stability) indicates that this missense variant is not expected to disrupt LRP5 protein function with a negative predictive value of 95%. In summary, the available evidence is currently insufficient to determine the role of this variant in disease. Therefore, it has been classified as a Variant of Uncertain Significance.

Fulgent Genetics
Classification: Uncertain significance for Worth disease; Osteoporosis with pseudoglioma; Exudative vitreoretinopathy 4; Bone mineral density quantitative trait locus 1; Autosomal dominant osteopetrosis 1; Polycystic liver disease 4 with or without kidney cysts. Last evaluated: 2024-03-07. Review status: criteria provided, single submitter. Criteria: ACMG Guidelines, 2015. Collection method: clinical testing. Allele origin: germline.

Blueprint Genetics
Classification: Uncertain significance. Last evaluated: 2022-02-14. Review status: criteria provided, single submitter. Criteria: ACMG Guidelines, 2015. Collection method: clinical testing. Allele origin: germline.